The following is an entry in ClinVar:

ClinVar aggregate classification (germline): Uncertain significance. Review status: criteria provided, multiple submitters, no conflicts (2 of 4 stars). 14 submissions from 14 submitters: Uncertain significance (12). 2 of the submissions do not count toward it. Last evaluated 2026-04-11.

Conditions:
CFTR-related disorder (CFTR-RD). Also called: CFTR-related condition; CFTR-related disorders. Identifiers: MedGen C5924204, MONDO:7770004.
Bronchiectasis with or without elevated sweat chloride 1 (BESC1). Also called: Cystic Fibrosis-Like Syndrome. Identifiers: Orphanet 60033, MedGen C2749757, MONDO:0008887, OMIM 211400.
Congenital bilateral aplasia of vas deferens from CFTR mutation (CBAVD). Identifiers: Orphanet 48, MedGen C0403814, MONDO:0010178, OMIM 277180. Disease mechanism: loss of function.
Hereditary pancreatitis (PCTT). Also called: PRSS1-Related Hereditary Pancreatitis; Hereditary chronic pancreatitis. Identifiers: Orphanet 676, MedGen C0238339, MONDO:0008185, OMIM 167800.
Cystic fibrosis (CF). Also called: MUCOVISCIDOSIS. Identifiers: Orphanet 586, MedGen C0010674, MONDO:0009061, OMIM 219700. Disease mechanism: loss of function.

Allele frequency attached by ClinVar (database versions not stated): TOPMed 0.00005; gnomAD 0.00006 and 0.00007; gnomAD exomes 0.00023 and 0.00008; ExAC 0.00004; ESP Exome Variant Server 0.00015.
gnomAD v4.1: 332 of 1,613,782 alleles (0.021%); highest among the groups gnomAD compares: Non-Finnish European, 0.028%; 1 homozygote.

Submissions 1 to 7 of 14:

GeneDx
Classification: Uncertain significance. Last evaluated: 2026-04-11. Review status: criteria provided, single submitter. Criteria: GeneDx Variant Classification Process June 2021. Collection method: clinical testing. Allele origin: germline.
Comment: Published functional studies suggest this variant results in moderate reduction in chloride transport, however additional studies are needed to validate the functional effect of this variant in vivo (PMID: 38388235); In silico analysis suggests that this missense variant does not alter protein structure/function; This variant is associated with the following publications: (PMID: 34996830, 25087612, 19202204, 23810505, 28544683, 38388235)

Women's Health and Genetics/Laboratory Corporation of America, LabCorp
Classification: Uncertain significance. Last evaluated: 2025-12-20. Review status: criteria provided, single submitter. Criteria: LabCorp Variant Classification Summary - May 2015. Collection method: clinical testing. Allele origin: germline.
Comment: Variant summary: CFTR c.4123C>A (p.His1375Asn) results in a conservative amino acid change located in the ABC transporter-like, ATP-binding domain (IPR003439) of the encoded protein sequence. Algorithms developed to predict the effect of missense changes on protein structure and function are either unavailable or do not agree on the potential impact of this missense change. The variant allele was found at a frequency of 7.6e-05 in 251216 control chromosomes. This frequency is not significantly higher than estimated for disease-causing variants in CFTR, allowing no conclusion about variant significance. c.4123C>A has been reported in the literature in at least one individual affected with Cystic Fibrosis (e.g, Zhou_2019), in a pancreatic insufficient individual with chronic pancreatitis but no respiratory involvement (e.g., Kolesar_2008), and an individual diagnosed with CFTR-related metabolic syndrome with normal sweat chloride levels (e.g., Prach_2013); the F508del allele was identified as the second CFTR variant in all of these individuals. These data do not allow any conclusion about variant significance. A different variant affecting the same codon has been classified as pathogenic by our lab (c.4124A>C, p.His1375Pro), supporting the critical relevance of codon 1375 to CFTR protein function. At least one publication reports experimental evidence evaluating an impact on protein function. The most pronounced variant effect resulted in approximately (Gt channel conductance) 73% of normal chloride channel conductance relative to wild type (e.g., Bihler_2024). The following publications have been ascertained in the context of this evaluation (PMID: 38388235, 19202204, 23810505, 34996830, 36409994, 28544683, 31740593). ClinVar contains an entry for this variant (Variation ID: 53894). Based on the evidence outlined above, the variant was classified as VUS-possibly pathogenic.

PreventionGenetics, part of Exact Sciences
Classification: Uncertain significance for CFTR-related condition. Last evaluated: 2025-10-10. Review status: criteria provided, single submitter. Criteria: ACMG Guidelines, 2015. Collection method: clinical testing. Allele origin: germline.
Comment: The CFTR c.4123C>A variant is predicted to result in the amino acid substitution p.His1375Asn. This variant has been reported in the compound heterozygous state with the p.Phe508del variant in a patient with chronic pancreatitis without lung disease (Kolesár et al. 2008. PubMed ID: 19202204). An in vitro experimental study suggests this variant reduces chloride channel conductance to 73% of wildtype (Table S1, Bihler et al. 2024. PubMed ID: 38388235). This variant is reported in 0.016% of alleles in individuals of European (non-Finnish) descent in gnomAD and has been interpreted as uncertain by multiple laboratories in ClinVar (Variation ID: 53894). Although we suspect that this variant may be pathogenic, the clinical significance of this variant is uncertain at this time due to the absence of conclusive functional and genetic evidence.

Ambry Genetics
Classification: Uncertain significance for Cystic fibrosis. Last evaluated: 2025-07-01. Review status: criteria provided, single submitter. Criteria: Ambry Variant Classification Scheme 2023. Collection method: clinical testing. Allele origin: germline.
Comment: The p.H1375N variant (also known as c.4123C>A), located in coding exon 25 of the CFTR gene, results from a C to A substitution at nucleotide position 4123. The histidine at codon 1375 is replaced by asparagine, an amino acid with similar properties. This variant was identified in an adult with pancreatic insufficiency and chronic pancreatitis in conjunction with p.F508del; however, the phase was uncertain (Koles&aacute;r P et al. Gen. Physiol. Biophys., 2008 Dec;27:299-305). This variant was also reported in a Slovak cystic fibrosis cohort; however, specific genotype and phenotype information was not provided (Soltysova A et al. Clin Respir J, 2018 Mar;12:1197-1206). This amino acid position is well conserved in available vertebrate species. In addition, this alteration is predicted to be tolerated by in silico analysis. Based on the available evidence, the clinical significance of this variant remains unclear.

ARUP Laboratories, Molecular Genetics and Genomics, ARUP Laboratories
Classification: Uncertain significance. Last evaluated: 2025-04-08. Review status: criteria provided, single submitter. Criteria: ARUP Molecular Germline Variant Investigation Process 2024. Collection method: clinical testing. Allele origin: germline.
Comment: The CFTR c.4123C>A; p.His1375Asn variant (rs146947665, ClinVar Variation ID: 53894), is reported in the literature in individuals affected with chronic pancreatitis (Kolesar 2008), cystic fibrosis (Bihler 2024), and CFTR-related metabolic syndrome (Salinas 2023), including one individual who also carries the common F508del pathogenic variant on the opposite chromosome (Prach 2013). The p.His1375Asn variant is found in the non-Finnish European population with an allele frequency of 0.016% (20/128962 alleles) in the Genome Aggregation Database (v2.1.1). Computational analyses are uncertain whether this variant is neutral or deleterious (REVEL: 0.304). Due to limited information, the clinical significance of the p.His1375Asn variant is uncertain at this time. References: Bihler H et al. In vitro modulator responsiveness of 655 CFTR variants found in people with cystic fibrosis. J Cyst Fibros. 2024 Jul;23(4):664-675. PMID: 38388235. Kolesar P et al. Mutation analysis of the CFTR gene in Slovak cystic fibrosis patients by DHPLC and subsequent sequencing: identification of four novel mutations. Gen Physiol Biophys. 2008 Dec;27(4):299-305. PMID: 19202204. Prach L et al. Novel CFTR variants identified during the first 3 years of cystic fibrosis newborn screening in California. J Mol Diagn. 2013 Sep;15(5):710-22. PMID: 23810505. Salinas DB. Cystic Fibrosis Screen Positive, Inconclusive Diagnosis Genotypes in People with Cystic Fibrosis from the U.S. Patient Registry. Ann Am Thorac Soc. 2023 Apr;20(4):523-531. PMID: 36409994.

Blueprint Genetics
Classification: Uncertain significance. Last evaluated: 2024-11-07. Review status: criteria provided, single submitter. Criteria: ACMG Guidelines, 2015. Collection method: clinical testing. Allele origin: germline.

Labcorp Genetics (formerly Invitae), Labcorp
Classification: Uncertain significance for Cystic fibrosis. Last evaluated: 2024-10-14. Review status: criteria provided, single submitter. Criteria: Invitae Variant Classification Sherloc (09022015). Collection method: clinical testing. Allele origin: germline.
Comment: This sequence change replaces histidine, which is basic and polar, with asparagine, which is neutral and polar, at codon 1375 of the CFTR protein (p.His1375Asn). This variant is present in population databases (rs146947665, gnomAD 0.01%). This missense change has been observed in individual(s) with chronic pancreatitis, CFTR-related metabolic syndrome and/or cystic fibrosis (PMID: 19202204, 23810505, 31740593). ClinVar contains an entry for this variant (Variation ID: 53894). Invitae Evidence Modeling of protein sequence and biophysical properties (such as structural, functional, and spatial information, amino acid conservation, physicochemical variation, residue mobility, and thermodynamic stability) indicates that this missense variant is not expected to disrupt CFTR protein function with a negative predictive value of 80%. This variant disrupts the p.His1375 amino acid residue in CFTR. Other variant(s) that disrupt this residue have been determined to be pathogenic (PMID: 25910067). This suggests that this residue is clinically significant, and that variants that disrupt this residue are likely to be disease-causing. In summary, the available evidence is currently insufficient to determine the role of this variant in disease. Therefore, it has been classified as a Variant of Uncertain Significance.

NM_000492.4(CFTR):c.4123C>A (p.His1375Asn)

Gene: CFTR (CF transmembrane conductance regulator; plus strand). Cytogenetic location: 7q31.2.
Variant type: single nucleotide variant.
Coding change: c.4123C>A on transcript NM_000492.4 (MANE Select); coding-DNA position 4123, C replaced by A.
Protein change: p.His1375Asn; replaces histidine 1375 with asparagine.
Molecular consequence: missense variant.
Genome position (GRCh38, 1-based): chr7:117,664,847, C>A. VCF-style: chr7-117664847-C-A. GRCh37 (hg19) VCF-style: chr7-117304901-C-A.
Other names: p.His1375Asn; short protein forms H1375N.
Identifiers: ClinVar variation 53894 (VCV000053894.36), dbSNP rs146947665, ClinGen allele CA327410.
Genomic context (GRCh38, chr7:117,664,847, plus strand): 5'-TGCTTGGCTAGATCTGTTCTCAGTAAGGCGAAGATCTTGCTGCTTGATGAACCCAGTGCT[C>A]ATTTGGATCCAGTGTGAGTTTCAGATGTTCTGTTACTTAATAGCACAGTGGGAACAGAAT-3'
Protein context (NP_000483.3, residues 1365-1385): KILLLDEPSA[His1375Asn]LDPVTYQIIR